The following is an entry in ClinVar:

NM_001080512.3(BICC1):c.2161_2162insTGA (p.Ser721delinsLeuThr)

Gene: BICC1 (BicC family RNA binding protein 1; plus strand). Cytogenetic location: 10q21.1.
Variant type: Insertion.
Coding change: c.2161_2162insTGA on transcript NM_001080512.3 (MANE Select); coding-DNA positions 2161 to 2162, TGA inserted.
Protein change: p.Ser721delinsLeuThr.
Molecular consequence: inframe indel.
Genome position: GRCh38 VCF-style: chr10-58803222-T-TTGA. GRCh37 (hg19) VCF-style: chr10-60562982-T-TTGA.
Identifiers: ClinVar variation 3715946 (VCV003715946.2).

ClinVar aggregate classification (germline): Uncertain significance (1 of 4 stars; one submission).

Submission:

Labcorp Genetics (formerly Invitae), Labcorp
Classification: Uncertain significance. Last evaluated: 2025-01-20. Review status: criteria provided, single submitter. Criteria: Invitae Variant Classification Sherloc (09022015). Collection method: clinical testing. Allele origin: germline.
Comment: This variant, c.2161_2162insTGA, is a complex sequence change that results in the deletion of 1 and insertion of 2 amino acid(s) in the BICC1 protein (p.Ser721delinsLeuThr). This variant is present in population databases (no rsID available, gnomAD 0.003%). This variant has not been reported in the literature in individuals affected with BICC1-related conditions. Experimental studies and prediction algorithms are not available or were not evaluated, and the functional significance of this variant is currently unknown. In summary, the available evidence is currently insufficient to determine the role of this variant in disease. Therefore, it has been classified as a Variant of Uncertain Significance.